The following is an entry in ClinVar:

NM_000059.4(BRCA2):c.7939dup (p.Leu2647fs)

Gene: BRCA2 (BRCA2 DNA repair associated; plus strand). Cytogenetic location: 13q13.1.
Variant type: Duplication.
Coding change: c.7939dup on transcript NM_000059.4 (MANE Select); coding-DNA position 7939, one base duplicated (C; older notation c.7939dupC).
Protein change: p.Leu2647fs; shifts the reading frame from leucine 2647.
Molecular consequence: frameshift variant.
Genome position (GRCh38, 1-based): chr13:32,362,656, C duplicated; the last of 2 consecutive C bases (chr13:32,362,655-32,362,656); duplicating either gives the same sequence. VCF-style (leftmost placement, unchanged base first): chr13-32362654-G-GC. GRCh37 (hg19) VCF-style: chr13-32936791-G-GC.
Other names: c.7939dupC (NM_000059.3); short protein forms L2647fs.
Identifiers: ClinVar variation 548339 (VCV000548339.1), dbSNP rs1555286861, ClinGen allele CA658823758.
Genomic context (GRCh38, chr13:32,362,654, plus strand): 5'-GGATCATATGGAAACTGGCAGCTATGGAATGTGCCTTTCCTAAGGAATTTGCTAATAGAT[G>GC]CCTAAGCCCAGAAAGGGTGCTTCTTCAACTAAAATACAGGCAAGTTTAAAGCATTACATT-3'

ClinVar aggregate classification (germline): Pathogenic (3 of 4 stars; one submission).

Conditions:
Breast-ovarian cancer, familial, susceptibility to, 2 (BROVCA2). Also called: BRCA2 Hereditary Breast and Ovarian Cancer. Identifiers: Orphanet 145, MedGen C2675520, MONDO:0012933, OMIM 612555. Disease mechanism: loss of function.

Submission:

Evidence-based Network for the Interpretation of Germline Mutant Alleles (ENIGMA)
Classification: Pathogenic for Breast-ovarian cancer, familial, susceptibility to, 2. Last evaluated: 2017-12-15. Review status: reviewed by expert panel. Criteria: ENIGMA BRCA1/2 Classification Criteria (2017-06-29). Collection method: curation. Allele origin: germline. Study: ENIGMA.
Comment: Variant allele predicted to encode a truncated non-functional protein.